The following is an entry in ClinVar:

ClinVar aggregate classification (germline): Conflicting classifications of pathogenicity. Review status: criteria provided, conflicting classifications (1 of 4 stars). 5 submissions from 5 submitters: Uncertain significance (3); Likely benign (2). Last evaluated 2025-09-15.

Conditions:
Alpha thalassemia-X-linked intellectual disability syndrome (ATRX). Also called: ALPHA-THALASSEMIA/MENTAL RETARDATION SYNDROME, X-LINKED; ATR, NONDELETION TYPE; ATR-X syndrome; Alpha thalassemia mental retardation syndrome, nondeletion type, X-linked; XLMR hypotonic face syndrome; X-linked alpha-thalassemia-mental retardation syndrome. Identifiers: Orphanet 847, MedGen C1845055, MONDO:0010519, OMIM 301040.

Allele frequency attached by ClinVar (database versions not stated): gnomAD exomes 0.00001; TOPMed 0.00001; ExAC 0.00001; gnomAD 0.00001.
gnomAD v4.1: 10 of 1,209,348 alleles (0.00083%); highest among the groups gnomAD compares: South Asian, 0.0035%; no homozygotes.

Submissions (5):

Labcorp Genetics (formerly Invitae), Labcorp
Classification: Likely benign for Alpha thalassemia-X-linked intellectual disability syndrome. Last evaluated: 2025-09-15. Review status: criteria provided, single submitter. Criteria: Invitae Variant Classification Sherloc (09022015). Collection method: clinical testing. Allele origin: germline.

CeGaT Center for Human Genetics Tuebingen
Classification: Likely benign. Last evaluated: 2025-03-01. Review status: criteria provided, single submitter. Criteria: CeGaT Center For Human Genetics Tuebingen Variant Classification Criteria Version 2. Collection method: clinical testing. Allele origin: germline. Affected: yes. Observed: 1 variant allele.
Comment: ATRX: BS2

Blueprint Genetics
Classification: Uncertain significance. Last evaluated: 2023-01-26. Review status: criteria provided, single submitter. Criteria: ACMG Guidelines, 2015. Collection method: clinical testing. Allele origin: germline.

GeneDx
Classification: Uncertain significance. Last evaluated: 2019-04-29. Review status: criteria provided, single submitter. Criteria: GeneDx Variant Classification Process June 2021. Collection method: clinical testing. Allele origin: germline. Affected: yes.
Comment: In silico analysis, which includes protein predictors and evolutionary conservation, supports that this variant does not alter protein structure/function; This variant is associated with the following publications: (PMID: 14592816)

Genetic Services Laboratory, University of Chicago
Classification: Uncertain significance. Last evaluated: 2018-02-09. Review status: criteria provided, single submitter. Criteria: ACMG Guidelines, 2015. Collection method: clinical testing. Allele origin: germline. Affected: no.

NM_000489.6(ATRX):c.2692G>C (p.Asp898His)

Gene: ATRX (ATRX chromatin remodeler; minus strand). Cytogenetic location: Xq21.1.
Variant type: single nucleotide variant.
Coding change: c.2692G>C on transcript NM_000489.6 (MANE Select); coding-DNA position 2692, G replaced by C.
Protein change: p.Asp898His; replaces aspartic acid 898 with histidine.
Molecular consequence: missense variant.
Genome position (GRCh38, 1-based): chrX:77,682,564, C>G on the plus strand (G>C on the coding strand, the complement: ATRX is on the minus strand). VCF-style: chrX-77682564-C-G. GRCh37 (hg19) VCF-style: chrX-76938056-C-G.
Other names: c.2578G>C, p.Asp860His (NM_138270.5); short protein forms D860H, D898H.
Identifiers: ClinVar variation 1138358 (VCV001138358.22), dbSNP rs781903868, ClinGen allele CA10458044.
Genomic context (GRCh38, chrX:77,682,564, plus strand): 5'-TGGAAGCACTTGCTTGCTGCTTCTTAGGAAGTCGATCTCTTAATTCCATGATGGTCGTGT[C>G]TTTATCAACTGTGCCTTCTGCTGAAGAGAAAGTCTCTCTCTCTTGTTTTCTTTCAGCATC-3'
Protein context (NP_000480.3, residues 888-908): FSSAEGTVDK[Asp898His]TTIMELRDRL